The following is an entry in ClinVar:

NM_018389.5(SLC35C1):c.1046C>T (p.Pro349Leu)

Gene: SLC35C1 (solute carrier family 35 member C1; plus strand). Cytogenetic location: 11p11.2.
Variant type: single nucleotide variant.
Coding change: c.1046C>T on transcript NM_018389.5 (MANE Select); coding-DNA position 1046, C replaced by T.
Protein change: p.Pro349Leu; replaces proline 349 with leucine.
Molecular consequence: missense variant.
Genome position (GRCh38, 1-based): chr11:45,811,286, C>T. VCF-style: chr11-45811286-C-T. GRCh37 (hg19) VCF-style: chr11-45832837-C-T.
Other names: c.1007C>T, p.Pro336Leu (NM_001145265.2, NM_001145266.2); short protein forms P349L, P336L.
Identifiers: ClinVar variation 1440591 (VCV001440591.4), dbSNP rs777594884, ClinGen allele CA5958387.
Genomic context (GRCh38, chr11:45,811,286, plus strand): 5'-TGGTGCTGGGCGGCTCCTCCGCCTACACCTGGGTCAGGGGCTGGGAGATGAAGAAGACTC[C>T]GGAGGAGCCCAGCCCCAAAGACAGCGAGAAGAGCGCCATGGGGGTGTGAGCACCACAGGC-3'
Protein context (NP_060859.4, residues 339-359): WVRGWEMKKT[Pro349Leu]EEPSPKDSEK

ClinVar aggregate classification (germline): Uncertain significance. Review status: criteria provided, multiple submitters, no conflicts (2 of 4 stars). 2 submissions from 2 submitters: Uncertain significance (2). Last evaluated 2025-08-10.

Conditions:
Leukocyte adhesion deficiency type II. Also called: CONGENITAL DISORDER OF GLYCOSYLATION, TYPE IIc; Congenital disorder of glycosylation type 2C; CDG 2C; Leukocyte adhesion deficiency type 2; Rambam Hasharon syndrome; CDG IIc. Identifiers: Orphanet 2968, Orphanet 99843, MedGen C0398739, MONDO:0009953, OMIM 266265.
Inborn genetic diseases. Identifiers: MedGen C0950123, MeSH D030342.

Allele frequency attached by ClinVar (database versions not stated): TOPMed 0.00001; gnomAD 0.00003; gnomAD exomes 0.00003 and 0.00005; ExAC 0.00005.
gnomAD v4.1: 75 of 1,563,316 alleles (0.0048%); highest among the groups gnomAD compares: Non-Finnish European, 0.0061%; no homozygotes.

Submissions (2):

Ambry Genetics
Classification: Uncertain significance for Inborn genetic diseases. Last evaluated: 2025-08-10. Review status: criteria provided, single submitter. Criteria: Ambry Variant Classification Scheme 2023. Collection method: clinical testing. Allele origin: germline.

Labcorp Genetics (formerly Invitae), Labcorp
Classification: Uncertain significance for Leukocyte adhesion deficiency type II. Last evaluated: 2024-11-05. Review status: criteria provided, single submitter. Criteria: Invitae Variant Classification Sherloc (09022015). Collection method: clinical testing. Allele origin: germline.
Comment: This sequence change replaces proline, which is neutral and non-polar, with leucine, which is neutral and non-polar, at codon 349 of the SLC35C1 protein (p.Pro349Leu). This variant is present in population databases (rs777594884, gnomAD 0.006%). This variant has not been reported in the literature in individuals affected with SLC35C1-related conditions. ClinVar contains an entry for this variant (Variation ID: 1440591). An algorithm developed to predict the effect of missense changes on protein structure and function (PolyPhen-2) suggests that this variant¬†is likely to be tolerated. In summary, the available evidence is currently insufficient to determine the role of this variant in disease. Therefore, it has been classified as a Variant of Uncertain Significance.